The following is an entry in ClinVar:

ClinVar aggregate classification (germline): Uncertain significance (1 of 4 stars; one submission).

Conditions:
MEGF10-related myopathy (CMYO10A). Also called: Congenital myopathy 10A, severe variant. Identifiers: Orphanet 439212, MedGen C3280679, MONDO:0013731, OMIM 614399.

Allele frequency attached by ClinVar (database versions not stated): TOPMed below 0.00001.

Submission:

Labcorp Genetics (formerly Invitae), Labcorp
Classification: Uncertain significance for MEGF10-related myopathy. Last evaluated: 2022-04-28. Review status: criteria provided, single submitter. Criteria: Invitae Variant Classification Sherloc (09022015). Collection method: clinical testing. Allele origin: germline.
Comment: This variant has not been reported in the literature in individuals affected with MEGF10-related conditions. In summary, the available evidence is currently insufficient to determine the role of this variant in disease. Therefore, it has been classified as a Variant of Uncertain Significance. Algorithms developed to predict the effect of missense changes on protein structure and function are either unavailable or do not agree on the potential impact of this missense change (SIFT: "Tolerated"; PolyPhen-2: "Possibly Damaging"; Align-GVGD: "Class C0"). This variant is not present in population databases (gnomAD no frequency). This sequence change replaces histidine, which is basic and polar, with arginine, which is basic and polar, at codon 784 of the MEGF10 protein (p.His784Arg).

NM_001256545.2(MEGF10):c.2351A>G (p.His784Arg)

Gene: MEGF10 (multiple EGF like domains 10; plus strand). Cytogenetic location: 5q23.2.
Variant type: single nucleotide variant.
Coding change: c.2351A>G on transcript NM_001256545.2 (MANE Select); coding-DNA position 2351, A replaced by G.
Protein change: p.His784Arg; replaces histidine 784 with arginine.
Molecular consequence: missense variant.
Genome position (GRCh38, 1-based): chr5:127,440,856, A>G. VCF-style: chr5-127440856-A-G. GRCh37 (hg19) VCF-style: chr5-126776548-A-G.
Other names: c.2351A>G, p.His784Arg (NM_032446.3); short protein forms H784R.
Identifiers: ClinVar variation 2131284 (VCV002131284.4), dbSNP rs1310042491, ClinGen allele CA360733606.
Genomic context (GRCh38, chr5:127,440,856, plus strand): 5'-GAGCTGACTGCGACCACATTTCTGGGCAGTGTACTTGCCGCACTGGATTCATGGGACGGC[A>G]CTGTGAGCAGAGTAAGTATGAGAGTGTGGCATCACTGGGTGGTATTTTTTTCCTCTAGAA-3'
Protein context (NP_001243474.1, residues 774-794): CTCRTGFMGR[His784Arg]CEQKCPSGTY